The following is an entry in ClinVar:

ClinVar aggregate classification (germline): Likely pathogenic. Review status: criteria provided, single submitter (1 of 4 stars). 2 submissions from 2 submitters: Likely pathogenic (1). 1 of the submissions does not count toward it. Last evaluated 2026-02-26.

Conditions:
Intellectual developmental disorder, X-linked, syndromic, Gustavson type. Also called: GUSTAVSON SYNDROME; Severe X-linked intellectual disability, Gustavson type; INTELLECTUAL DEVELOPMENTAL DISORDER WITH OPTIC ATROPHY, DEAFNESS, AND SEIZURES. Identifiers: Orphanet 3078, MedGen C0795965, MONDO:0010661, OMIM 309555.

Submissions (2):

Institute for Human Genetics, University Hospital Essen
Classification: Likely pathogenic for Intellectual developmental disorder, X-linked, syndromic, Gustavson type. Last evaluated: 2026-02-26. Review status: criteria provided, single submitter. Criteria: ACMG Guidelines, 2015. Collection method: clinical testing. Allele origin: maternal. Inheritance: X-linked inheritance. Affected: yes. Observed: 1 variant allele, 1 hemizygote.
Comment: PS3, PM2_mod, PP1_supp

OMIM
Classification: Pathogenic for INTELLECTUAL DEVELOPMENTAL DISORDER, X-LINKED, SYNDROMIC, GUSTAVSON TYPE (1 family). Last evaluated: 2024-03-13. Review status: no assertion criteria provided. Collection method: literature only. Allele origin: germline. Not counted in ClinVar's aggregate classification.

Literature cited by the submitters: PubMed 8456840 (cited by OMIM); PubMed 37277488 (cited by OMIM).

NM_002139.4(RBMX):c.478CCT[2] (p.Pro162del)

Gene: RBMX (RNA binding motif protein X-linked; minus strand). Cytogenetic location: Xq26.3.
Variant type: Microsatellite.
Coding change: c.478CCT[2] on transcript NM_002139.4 (MANE Select); two copies in a row of the 3-base unit CCT starting at c.478; the reference has three copies in a row; one copy, 3 bases deleted; also written c.484_486del.
Protein change: p.Pro162del; deletes proline 162.
Molecular consequence: inframe deletion. On other transcripts: non-coding transcript variant (2), intron variant (1).
Genome position (GRCh38, 1-based): chrX:136,876,558-136,876,560, AGG deleted on the plus strand (CCT on the coding strand, the reverse complement: RBMX is on the minus strand); deleting any 3 consecutive bases within chrX:136,876,558-136,876,567 gives the same sequence; the position shown is the placement nearest the transcript's 3' end. VCF-style (leftmost placement, unchanged base first): chrX-136876557-TAGG-T. GRCh37 (hg19) VCF-style: chrX-135958716-TAGG-T.
Other names: c.484_486del (NM_002139.4); c.217-981CCT[2] (NM_001164803.2); short protein forms P162del.
Identifiers: ClinVar variation 2691753 (VCV002691753.3), dbSNP rs2522762140, ClinGen allele CA2695236808.